The following is an entry in ClinVar:

ClinVar aggregate classification (germline): Uncertain significance (1 of 4 stars; one submission).

Conditions:
Hereditary cancer-predisposing syndrome. Also called: Neoplastic Syndromes, Hereditary; Hereditary Cancer Syndrome; Hereditary neoplastic syndrome; Tumor predisposition. Identifiers: Orphanet 140162, MedGen C0027672, MeSH D009386, MONDO:0015356.

Allele frequency attached by ClinVar (database versions not stated): gnomAD exomes below 0.00001.
gnomAD v4.1: 1 of 1,614,148 alleles (0.000062%); highest among the groups gnomAD compares: Non-Finnish European, 0.000085%; no homozygotes.

Submission:

Ambry Genetics
Classification: Uncertain significance for Hereditary cancer-predisposing syndrome. Last evaluated: 2023-05-06. Review status: criteria provided, single submitter. Criteria: Ambry Variant Classification Scheme 2023. Collection method: clinical testing. Allele origin: germline.
Comment: The p.V124I variant (also known as c.370G>A), located in coding exon 3 of the EPCAM gene, results from a G to A substitution at nucleotide position 370. The valine at codon 124 is replaced by isoleucine, an amino acid with highly similar properties. This amino acid position is conserved. In addition, this alteration is predicted to be tolerated by in silico analysis. Since supporting evidence is limited at this time, the clinical significance of this alteration remains unclear.

NM_002354.3(EPCAM):c.370G>A (p.Val124Ile)

Gene: EPCAM (epithelial cell adhesion molecule; plus strand). Cytogenetic location: 2p21.
Variant type: single nucleotide variant.
Coding change: c.370G>A on transcript NM_002354.3 (MANE Select); coding-DNA position 370, G replaced by A.
Protein change: p.Val124Ile; replaces valine 124 with isoleucine.
Molecular consequence: missense variant.
Genome position (GRCh38, 1-based): chr2:47,373,993, G>A. VCF-style: chr2-47373993-G-A. GRCh37 (hg19) VCF-style: chr2-47601132-G-A.
Other names: short protein forms V124I.
Identifiers: ClinVar variation 2562279 (VCV002562279.2), dbSNP rs2103747804, ClinGen allele CA346723368.